The following is an entry in ClinVar:

NM_000545.8(HNF1A):c.1501+7G>A

Gene: HNF1A (HNF1 homeobox A; plus strand). Cytogenetic location: 12q24.31.
Variant type: single nucleotide variant.
Coding change: c.1501+7G>A on transcript NM_000545.8 (MANE Select); 7 bases into the intron after coding-DNA position 1501, G replaced by A.
Molecular consequence: intron variant.
Genome position (GRCh38, 1-based): chr12:120,997,672, G>A. VCF-style: chr12-120997672-G-A. GRCh37 (hg19) VCF-style: chr12-121435475-G-A.
Other names: c.1501+7G>A (NM_001306179.2).
Identifiers: ClinVar variation 129231 (VCV000129231.28), dbSNP rs2464195, ClinGen allele CA153090.

ClinVar aggregate classification (germline): Conflicting classifications of pathogenicity. Review status: criteria provided, conflicting classifications (1 of 4 stars). 13 submissions from 12 submitters: Uncertain significance (1); Benign (10). 2 of the submissions do not count toward it. Last evaluated 2026-02-04.

Conditions:
Maturity-onset diabetes of the young (MODY). Also called: Maturity onset diabetes mellitus in young. Identifiers: Orphanet 552, MedGen C0342276, MONDO:0018911, HP:0004904.
Maturity-onset diabetes of the young type 3. Also called: MODY type 3; MODY, type III. Identifiers: Orphanet 552, MedGen C1838100, MeSH C563933, MONDO:0010894, OMIM 600496. Disease mechanism: loss of function.
Nonpapillary renal cell carcinoma. Identifiers: Orphanet 422526, MedGen CN074294, MONDO:0007763, OMIM 144700.
Type 2 diabetes mellitus. Also called: Type II diabetes mellitus. Identifiers: MedGen C0011860, MeSH D003924, MONDO:0005148, OMIM 125853, HP:0005978.

Allele frequency attached by ClinVar (database versions not stated): ESP Exome Variant Server 0.29006; gnomAD 0.30441 and 0.31623; TOPMed 0.30861; 1000 Genomes Project 30x 0.35025; 1000 Genomes Project 0.35962; gnomAD exomes 0.36779 and 0.38982; ExAC 0.43472.
gnomAD v4.1: 582,111 of 1,601,934 alleles (36%); highest among the groups gnomAD compares: Middle Eastern, 55%; 110,205 homozygotes.

Submissions (13):

Labcorp Genetics (formerly Invitae), Labcorp
Classification: Benign. Last evaluated: 2026-02-04. Review status: criteria provided, single submitter. Criteria: Invitae Variant Classification Sherloc (09022015). Collection method: clinical testing. Allele origin: germline.

KCCC/NGS Laboratory, Kuwait Cancer Control Center
Classification: Benign for Maturity-onset diabetes of the young type 3. Last evaluated: 2025-02-01. Review status: criteria provided, single submitter. Criteria: ACMG Guidelines, 2015. Collection method: clinical testing. Allele origin: germline. Affected: no.

Blueprint Genetics
Classification: Benign. Last evaluated: 2024-11-27. Review status: criteria provided, single submitter. Criteria: ACMG Guidelines, 2015. Collection method: clinical testing. Allele origin: germline.

KCCC/NGS Laboratory, Kuwait Cancer Control Center
Classification: Benign for Nonpapillary renal cell carcinoma. Last evaluated: 2023-07-07. Review status: criteria provided, single submitter. Criteria: ACMG Guidelines, 2015. Collection method: clinical testing. Allele origin: germline. Affected: yes.

Genome-Nilou Lab
Classification: Benign for Maturity-onset diabetes of the young type 3. Last evaluated: 2021-08-10. Review status: criteria provided, single submitter. Criteria: ACMG Guidelines, 2015. Collection method: clinical testing. Allele origin: germline. Affected: no.

Illumina Laboratory Services, Illumina
Classification: Benign for Maturity-onset diabetes of the young type 3. Last evaluated: 2018-01-13. Review status: criteria provided, single submitter. Criteria: ICSL Variant Classification Criteria 13 December 2019. Collection method: clinical testing. Allele origin: germline.
Comment: This variant was observed in the ICSL laboratory as part of a predisposition screen in an ostensibly healthy population. It had not been previously curated by ICSL or reported in the Human Gene Mutation Database (HGMD: prior to June 1st, 2018), and was therefore a candidate for classification through an automated scoring system. Utilizing variant allele frequency, disease prevalence and penetrance estimates, and inheritance mode, an automated score was calculated to assess if this variant is too frequent to cause the disease. Based on the score and internal cut-off values, a variant classified as benign is not then subjected to further curation. The score for this variant resulted in a classification of benign for this disease.

Athena Diagnostics
Classification: Benign. Last evaluated: 2017-07-12. Review status: criteria provided, single submitter. Criteria: Athena Diagnostics Criteria. Collection method: clinical testing. Allele origin: germline.

Ambry Genetics
Classification: Benign for Maturity-onset diabetes of the young. Last evaluated: 2014-12-08. Review status: criteria provided, single submitter. Criteria: Ambry Variant Classification Scheme 2023. Collection method: clinical testing. Allele origin: germline.

GeneDx
Classification: Benign. Last evaluated: 2013-10-22. Review status: criteria provided, single submitter. Criteria: GeneDx Variant Classification (06012015). Collection method: clinical testing. Allele origin: germline. Affected: yes.
Comment: This variant is considered likely benign or benign based on one or more of the following criteria: it is a conservative change, it occurs at a poorly conserved position in the protein, it is predicted to be benign by multiple in silico algorithms, and/or has population frequency not consistent with disease.

Clinical Genomics, Uppaluri K&H Personalized Medicine Clinic
Classification: Uncertain significance for Type 2 diabetes mellitus. Review status: criteria provided, single submitter. Criteria: K&H Uppaluri Personalized Medicine Clinic Variant Classification & Assertion Criteria. Collection method: research. Allele origin: maternal. Inheritance: Autosomal dominant inheritance.
Comment: Mutations in HNF1A gene can predispose to MODY3. It is associated with both micro and macrovascular complications of diabetes, especially multiple cardiovascular complications. Associated with glucosuria. May respond well to sulfonylureas. However, no sufficient evidence is found to support association of rs2464195 with T2DM or MODY.

PreventionGenetics, part of Exact Sciences
Classification: Benign. Review status: criteria provided, single submitter. Criteria: ACMG Guidelines, 2015. Collection method: clinical testing. Allele origin: germline.

ITMI
No classification provided. Condition: AllHighlyPenetrant. Last evaluated: 2013-09-19. Review status: no classification provided. Collection method: reference population. Allele origin: germline. Not counted in ClinVar's aggregate classification.
Comment: Please see associated publication for description of ethnicities

Genetic Services Laboratory, University of Chicago
Classification: Likely benign for AllHighlyPenetrant. Review status: no assertion criteria provided. Collection method: clinical testing. Allele origin: germline. Inheritance: Autosomal dominant inheritance. Not counted in ClinVar's aggregate classification.
Comment: Likely benign based on allele frequency in 1000 Genomes Project or ESP global frequency and its presence in a patient with a rare or unrelated disease phenotype. NOT Sanger confirmed.

Literature cited by the submitters: PubMed 10588527 (cited by Athena Diagnostics); PubMed 10634407 (cited by Athena Diagnostics); PubMed 12574234 (cited by Athena Diagnostics); PubMed 12627330 (cited by Athena Diagnostics); PubMed 15883474 (cited by Athena Diagnostics); PubMed 15928245 (cited by Athena Diagnostics); PubMed 16963153 (cited by Athena Diagnostics); PubMed 17407072 (cited by Athena Diagnostics); PubMed 17573900 (cited by Athena Diagnostics); PubMed 17937063 (cited by Athena Diagnostics); PubMed 18811724 (cited by Athena Diagnostics); PubMed 9112026 (cited by Athena Diagnostics); PubMed 9287053 (cited by Athena Diagnostics); PubMed 17062882 (cited by Clinical Genomics, Uppaluri K&H Personalized Medicine Clinic); PubMed 20031592 (cited by Clinical Genomics, Uppaluri K&H Personalized Medicine Clinic); PubMed 32928877 (cited by Clinical Genomics, Uppaluri K&H Personalized Medicine Clinic); PubMed 24728327 (cited by ITMI).